The following continues an entry in ClinVar:

NM_170707.4(LMNA):c.1262T>C (p.Leu421Pro)

Gene: LMNA. ClinVar aggregate classification (germline): Conflicting classifications of pathogenicity. Likely pathogenic (1); Uncertain significance (8).

Submissions 7 to 10 of 10:

Color Diagnostics, LLC DBA Color Health
Classification: Uncertain significance for Cardiomyopathy. Last evaluated: 2023-01-19. Review status: criteria provided, single submitter. Criteria: ACMG Guidelines, 2015. Collection method: clinical testing. Allele origin: germline.
Comment: This missense variant replaces leucine with proline at codon 421 of the lamin A/C proteins. Computational prediction suggests that this variant may have deleterious impact on protein structure and function (internally defined REVEL score threshold >= 0.7, PMID: 27666373). Experimental studies have shown that this variant causes accumulation of prelamin A and nuclear shape abnormalities (PMID: 17612587) and impacts the interaction with nesprin-2 (PMID: 23977161). However, clinical relevance of these observations is not clear. This variant has been reported in an individual affected with severe metabolic syndrome (PMID: 17711925), in an individual with laminopathy with musculoskeletal and metabolic phenotype (PMID: 23853504), in an individual with laminopathy with cardiac and metabolic phenotype (PMID: 23853504), and in an individual with suspected Charcot-Marie-Tooth (PMID: 32376792). This variant has been identified in 3/282158 chromosomes in the general population by the Genome Aggregation Database (gnomAD). The available evidence is insufficient to determine the role of this variant in disease conclusively. Therefore, this variant is classified as a Variant of Uncertain Significance.

Women's Health and Genetics/Laboratory Corporation of America, LabCorp
Classification: Uncertain significance. Last evaluated: 2022-08-03. Review status: criteria provided, single submitter. Criteria: LabCorp Variant Classification Summary - May 2015. Collection method: clinical testing. Allele origin: germline.
Comment: Variant summary: LMNA c.1262T>C (p.Leu421Pro) results in a non-conservative amino acid change in the encoded protein sequence. Three of five in-silico tools predict a damaging effect of the variant on protein function. The variant allele was found at a frequency of 8e-06 in 250794 control chromosomes (gnomAD). The available data on variant occurrences in the general population are insufficient to allow any conclusion about variant significance. c.1262T>C has been reported in the literature in individuals with LMNA-Related Disorders (examples: Caron_2007, Decaudain_2007, Carboni_2013, Lin_2020, and Volodarsky_2021). However, these reports do not provide unequivocal conclusions about association of the variant with disease. Experimental evidence evaluating an impact on protein function demonstrated the variant had nuclear shape abnormalities, reduced proliferative activity, increased mitochondrial alterations, increased oxidative stress and premature cellular senescence (Caron_2007). Additional studies reported the variant does not impair trafficking of the protein (Decaudain_2007) and does not alter distribution of Nesprin-2 but shows reduced Nesprin-2 binding (Yang_2013). Furthermore, Kiel et al (2014) determined the variant has significantly reduced nuclear accumulation and exhibits altered subcellular localization and reduced lamina incorporation. However, this data does not allow convincing conclusions about the variant effect and how it relates to onset of laminopathies clinically. Three clinical diagnostic laboratories have submitted clinical-significance assessments for this variant to ClinVar after 2014 and classified the variant as VUS (n=2) and likely pathogenic (n=1). Based on the evidence outlined above, the variant was classified as uncertain significance until additional evidence of clinical importance becomes available.

Revvity Omics, Revvity
Classification: Uncertain significance. Last evaluated: 2021-11-29. Review status: criteria provided, single submitter. Criteria: ACMG Guidelines, 2015. Collection method: clinical testing. Allele origin: germline.

Epithelial Biology;  Institute of Medical Biology, Singapore
No classification provided. Review status: no classification provided. Collection method: not provided. Allele origin: not provided. Not counted in ClinVar's aggregate classification.

Literature cited by the submitters: PubMed 17711925 (cited by 6 submitters); PubMed 32376792 (cited by 5 submitters); PubMed 32413188 (cited by 3 submitters); PubMed 17612587 (cited by 5 submitters); PubMed 23977161 (cited by 6 submitters); PubMed 24943589 (cited by 3 submitters); PubMed 17377071 (cited by Victorian Clinical Genetics Services, Murdoch Childrens Research Institute); PubMed 20301609 (cited by Victorian Clinical Genetics Services, Murdoch Childrens Research Institute); PubMed 39481677 (cited by Victorian Clinical Genetics Services, Murdoch Childrens Research Institute); PubMed 23853504 (cited by 3 submitters); PubMed 31383942 (cited by Women's Health and Genetics/Laboratory Corporation of America, LabCorp); PubMed 24623722 (cited by Women's Health and Genetics/Laboratory Corporation of America, LabCorp).